The following is an entry in ClinVar:

Conditions:
Breast-ovarian cancer, familial, susceptibility to, 1 (BROVCA1). Also called: BRCA1 Hereditary Breast and Ovarian Cancer; OVARIAN CANCER, SUSCEPTIBILITY TO. Identifiers: Orphanet 145, MedGen C2676676, MONDO:0011450, OMIM 604370. Disease mechanism: loss of function.

Submission:

Brotman Baty Institute, University of Washington
No classification provided (evidence only). Condition: Breast-ovarian cancer, familial 1. Review status: no classification provided. Collection method: in vitro. Allele origin: not applicable. Functional consequence: functionally_normal.
ClinVar note: "not provided" was previously submitted as the classification for the variant. However, the classification appeared to be based only on an observation of functional data so it was converted to no classification on 2025-07-30.

NM_007294.4(BRCA1):c.5075-7T>A

Gene: BRCA1 (BRCA1 DNA repair associated; minus strand). Cytogenetic location: 17q21.31.
Variant type: single nucleotide variant.
Coding change: c.5075-7T>A on transcript NM_007294.4 (MANE Select); 7 bases into the intron before coding-DNA position 5075, T replaced by A.
Molecular consequence: intron variant.
Genome position (GRCh38, 1-based): chr17:43,063,958, A>T on the plus strand (T>A on the coding strand, the complement: BRCA1 is on the minus strand). VCF-style: chr17-43063958-A-T. GRCh37 (hg19) VCF-style: chr17-41215975-A-T.
Other names: c.1502-7T>A (NM_001408499.1, NM_001408498.1, NM_001408501.1 and 3 more transcripts); c.4808-7T>A (NM_001407933.1, NM_001407927.1, NM_001407931.1 and 4 more transcripts); c.4811-7T>A (NM_001407923.1, NM_001407922.1, NM_001407925.1 and 4 more transcripts); c.4931-7T>A (NM_001407739.1, NM_001407741.1, NM_001407747.1 and 21 more transcripts); c.4934-7T>A (NM_001407725.1, NM_001407727.1, NM_001407724.1 and 13 more transcripts); c.1646-7T>A (NM_001408422.1, NM_001408423.1, NM_001408421.1 and 1 more transcripts); c.4862-7T>A (NM_001407896.1, NM_001407900.1, NM_001407571.1 and 12 more transcripts); c.4739-7T>A (NM_001407952.1, NM_001407950.1, NM_001407953.1 and 3 more transcripts); and 73 more.
Identifiers: ClinVar variation 867612 (VCV000867612.3), dbSNP rs762729313, ClinGen allele CA916080133.